The following is an entry in ClinVar:

NM_001008388.5(CISD2):c.-32G>A

Genes: CISD2 (CDGSH iron sulfur domain 2; plus strand), LOC129992891 (ATAC-STARR-seq lymphoblastoid silent region 15602; plus strand). Cytogenetic location: 4q24.
Variant type: single nucleotide variant.
Coding change: c.-32G>A on transcript NM_001008388.5 (MANE Select); 32 bases upstream of the start codon, G replaced by A.
Molecular consequence: 5 prime UTR variant.
Genome position (GRCh38, 1-based): chr4:102,869,053, G>A. VCF-style: chr4-102869053-G-A. GRCh37 (hg19) VCF-style: chr4-103790210-G-A.
Identifiers: ClinVar variation 506867 (VCV000506867.1), dbSNP rs1553968629, ClinGen allele CA440520129.

ClinVar aggregate classification (germline): Likely benign (1 of 4 stars; one submission).

gnomAD v4.1: 1 of 1,589,156 alleles (0.000063%); no homozygotes.

Submission:

GeneDx
Classification: Likely benign. Last evaluated: 2017-12-15. Review status: criteria provided, single submitter. Criteria: GeneDx Variant Classification (06012015). Collection method: clinical testing. Allele origin: germline. Affected: yes.
Comment: This variant is considered likely benign or benign based on one or more of the following criteria: it is a conservative change, it occurs at a poorly conserved position in the protein, it is predicted to be benign by multiple in silico algorithms, and/or has population frequency not consistent with disease.